The following is an entry in ClinVar:

NM_005845.5(ABCC4):c.1208C>T (p.Pro403Leu)

Gene: ABCC4 (ATP binding cassette subfamily C member 4 (PEL blood group); minus strand). Cytogenetic location: 13q32.1.
Variant type: single nucleotide variant.
Coding change: c.1208C>T on transcript NM_005845.5 (MANE Select); coding-DNA position 1208, C replaced by T.
Protein change: p.Pro403Leu; replaces proline 403 with leucine.
Molecular consequence: missense variant.
Genome position (GRCh38, 1-based): chr13:95,194,891, G>A on the plus strand (C>T on the coding strand, the complement: ABCC4 is on the minus strand). VCF-style: chr13-95194891-G-A. GRCh37 (hg19) VCF-style: chr13-95847145-G-A.
Other names: c.1208C>T, p.Pro403Leu (NM_001105515.3, NM_001301829.2); c.983C>T, p.Pro328Leu (NM_001301830.2); short protein forms P328L, P403L.
Identifiers: ClinVar variation 3041539 (VCV003041539.2), dbSNP rs11568705, ClinGen allele CA7019609.
Genomic context (GRCh38, chr13:95,194,891, plus strand): 5'-GTTACCTTATCCCAAAAAGCAGTAAAATCCTGCACATGCACCATCTTTTTACCATCTGAC[G>A]GCAGCTGACGGTTGCGCTGTGATATCTCATCAAGTAGCAAAAAGGTCTAAAGAAAATGGG-3'
Protein context (NP_005836.2, residues 393-413): DEISQRNRQL[Pro403Leu]SDGKKMVHVQ

ClinVar aggregate classification (germline): Likely benign (0 of 4 stars; one submission).

Conditions:
ABCC4-related disorder. Also called: ABCC4-related condition.

Allele frequency attached by ClinVar (database versions not stated): gnomAD exomes 0.00038; ExAC 0.00045; ESP Exome Variant Server 0.00115; 1000 Genomes Project 0.00120; gnomAD 0.00151; 1000 Genomes Project 30x 0.00156; TOPMed 0.00210.
gnomAD v4.1: 810 of 1,614,054 alleles (0.05%); highest among the groups gnomAD compares: African/African-American, 0.41%; 2 homozygotes.

Submission:

PreventionGenetics, part of Exact Sciences
Classification: Likely benign for ABCC4-related condition. Last evaluated: 2023-05-22. Review status: no assertion criteria provided. Collection method: clinical testing. Allele origin: germline.
Comment: This variant is classified as likely benign based on ACMG/AMP sequence variant interpretation guidelines (Richards et al. 2015 PMID: 25741868, with internal and published modifications).